The following is an entry in ClinVar:

ClinVar aggregate classification (germline): Likely pathogenic (1 of 4 stars; one submission).

Conditions:
Very long chain acyl-CoA dehydrogenase deficiency (ACADVLD). Also called: Very Long-Chain Acyl-Coenzyme A Dehydrogenase Deficiency; VLCAD Deficiency. Identifiers: Orphanet 26793, MedGen C3887523, MONDO:0008723, OMIM 201475.

Submission:

Labcorp Genetics (formerly Invitae), Labcorp
Classification: Likely pathogenic for Very long chain acyl-CoA dehydrogenase deficiency. Last evaluated: 2024-09-11. Review status: criteria provided, single submitter. Criteria: Invitae Variant Classification Sherloc (09022015). Collection method: clinical testing. Allele origin: germline.
Comment: This sequence change replaces lysine, which is basic and polar, with asparagine, which is neutral and polar, at codon 247 of the ACADVL protein (p.Lys247Asn). This variant is not present in population databases (gnomAD no frequency). This variant has not been reported in the literature in individuals affected with ACADVL-related conditions. Invitae Evidence Modeling of protein sequence and biophysical properties (such as structural, functional, and spatial information, amino acid conservation, physicochemical variation, residue mobility, and thermodynamic stability) indicates that this missense variant is expected to disrupt ACADVL protein function with a positive predictive value of 95%. This variant disrupts the p.Lys247 amino acid residue in ACADVL. Other variant(s) that disrupt this residue have been determined to be pathogenic (PMID: 10077518, 10790204). This suggests that this residue is clinically significant, and that variants that disrupt this residue are likely to be disease-causing. In summary, the currently available evidence indicates that the variant is pathogenic, but additional data are needed to prove that conclusively. Therefore, this variant has been classified as Likely Pathogenic.

Literature cited by the submitters: PubMed 10077518; PubMed 10790204.

NM_000018.4(ACADVL):c.741G>C (p.Lys247Asn)

Gene: ACADVL (acyl-CoA dehydrogenase very long chain; plus strand). Cytogenetic location: 17p13.1.
Variant type: single nucleotide variant.
Coding change: c.741G>C on transcript NM_000018.4 (MANE Select); coding-DNA position 741, G replaced by C.
Protein change: p.Lys247Asn; replaces lysine 247 with asparagine.
Molecular consequence: missense variant.
Genome position (GRCh38, 1-based): chr17:7,222,070, G>C. VCF-style: chr17-7222070-G-C. GRCh37 (hg19) VCF-style: chr17-7125389-G-C.
Other names: c.675G>C, p.Lys225Asn (NM_001033859.3); c.810G>C, p.Lys270Asn (NM_001270447.2); c.513G>C, p.Lys171Asn (NM_001270448.2); short protein forms K225N, K171N, K247N, K270N.
Identifiers: ClinVar variation 2919362 (VCV002919362.3), dbSNP rs199876141, ClinGen allele CA397723579.